The following is an entry in ClinVar:

ClinVar aggregate classification (germline): Benign/Likely benign. Review status: criteria provided, multiple submitters, no conflicts (2 of 4 stars). 8 submissions from 8 submitters: Benign (1); Likely benign (7). Last evaluated 2025-12-03.

Conditions:
Familial thoracic aortic aneurysm and aortic dissection (TAAD). Also called: Thoracic aortic aneurysms and dissections. Identifiers: Orphanet 91387, MedGen C4707243, MONDO:0019625.
Ehlers-Danlos syndrome, type 4 (EDSVASC). Also called: Ehlers-Danlos Syndrome Type IV; Ehlers-Danlos syndrome vascular type; Ehlers Danlos syndrome, ecchymotic type; Ehlers Danlos syndrome, arterial type; Ehlers Danlos syndrome, Sack-Barabas type. Identifiers: Orphanet 286, MedGen C0268338, MONDO:0017314, OMIM 130050.

Allele frequency attached by ClinVar (database versions not stated): ExAC 0.00003; gnomAD exomes 0.00004; gnomAD 0.00006 and 0.00007; ESP Exome Variant Server 0.00008; TOPMed 0.00009.
gnomAD v4.1: 69 of 1,612,938 alleles (0.0043%); highest among the groups gnomAD compares: Middle Eastern, 0.017%; no homozygotes.

Submissions (8):

Labcorp Genetics (formerly Invitae), Labcorp
Classification: Likely benign for Ehlers-Danlos syndrome, type 4. Last evaluated: 2025-12-03. Review status: criteria provided, single submitter. Criteria: Invitae Variant Classification Sherloc (09022015). Collection method: clinical testing. Allele origin: germline.

All of Us Research Program, National Institutes of Health
Classification: Likely benign for Ehlers-Danlos syndrome, type 4. Last evaluated: 2023-12-13. Review status: criteria provided, single submitter. Criteria: ACMG Guidelines, 2015. Collection method: clinical testing. Allele origin: germline. Inheritance: Autosomal dominant inheritance. Observed: 12 variant alleles, 12 heterozygotes.
Comment: This study involves interpretation of variants in research participants for the purpose of population health screening. Participant phenotype was not available at the time of variant classification. Additional details can be found in publication PMID: 35346344, PMCID: PMC8962531

Blueprint Genetics
Classification: Likely benign. Last evaluated: 2023-05-12. Review status: criteria provided, single submitter. Criteria: ACMG Guidelines, 2015. Collection method: clinical testing. Allele origin: germline.

GeneDx
Classification: Likely benign. Last evaluated: 2020-01-08. Review status: criteria provided, single submitter. Criteria: GeneDx Variant Classification Process June 2021. Collection method: clinical testing. Allele origin: germline. Affected: yes.

Color Diagnostics, LLC DBA Color Health
Classification: Likely benign for Familial thoracic aortic aneurysm and aortic dissection. Last evaluated: 2018-09-04. Review status: criteria provided, single submitter. Criteria: ACMG Guidelines, 2015. Collection method: clinical testing. Allele origin: germline.

Women's Health and Genetics/Laboratory Corporation of America, LabCorp
Classification: Benign. Last evaluated: 2017-10-10. Review status: criteria provided, single submitter. Criteria: LabCorp Variant Classification Summary - May 2015. Collection method: clinical testing. Allele origin: germline.
Comment: Variant summary: The COL3A1 c.3228C>T (p.Pro1076Pro) variant involves the alteration of a non-conserved nucleotide, resulting in a synonymous change. One in silico tool predicts a damaging outcome for this variant. 5/5 splice prediction tools predict no significant impact on normal splicing. ESE finder predicts that this variant may affect ESE sites. However, these predictions have yet to be confirmed by functional studies. This variant was found in 12/246140 control chromosomes, predominantly observed in the Ashkenazi Jewish subpopulation at a frequency of 0.000508 (5/9846). This frequency is about 406 times the estimated maximal expected allele frequency of a pathogenic COL3A1 variant (0.0000013), suggesting this is likely a benign polymorphism found primarily in the populations of Ashkenazi Jewish origin. In addition, one other clinical diagnostic laboratory classified this variant as likely benign. The variant of interest has not, to our knowledge, been reported in affected individuals via publications, nor evaluated for functional impact by in vivo/vitro studies. Taken together, this variant is classified as benign.

Ambry Genetics
Classification: Likely benign for Familial thoracic aortic aneurysm and aortic dissection. Last evaluated: 2017-03-20. Review status: criteria provided, single submitter. Criteria: Ambry Variant Classification Scheme 2023. Collection method: clinical testing. Allele origin: germline.

Breakthrough Genomics
Classification: Likely benign. Review status: criteria provided, single submitter. Criteria: ACMG Guidelines, 2015. Collection method: not provided. Allele origin: germline. Inheritance: Autosomal recessive inheritance. Affected: yes.

NM_000090.4(COL3A1):c.3228C>T (p.Pro1076=)

Gene: COL3A1 (collagen type III alpha 1 chain; plus strand). Cytogenetic location: 2q32.2.
Variant type: single nucleotide variant.
Coding change: c.3228C>T on transcript NM_000090.4 (MANE Select); coding-DNA position 3228, C replaced by T.
Protein change: p.Pro1076=; no amino-acid change (proline 1076 retained).
Molecular consequence: synonymous variant.
Genome position (GRCh38, 1-based): chr2:189,006,963, C>T. VCF-style: chr2-189006963-C-T. GRCh37 (hg19) VCF-style: chr2-189871689-C-T.
Identifiers: ClinVar variation 378941 (VCV000378941.23), dbSNP rs200917999, ClinGen allele CA075953.
Genomic context (GRCh38, chr2:189,006,963, plus strand): 5'-TGTATGTCTTCTCAATTGAATGTTTTCATCTTAGGGCCCTGCTGGCCCTGCTGGTGCTCC[C>T]GGTCCTGCTGGTTCCCGAGGTGCTCCTGTAAGTTTTGTCATTTTTTGGTTTTATTTTGTT-3'
Protein context (NP_000081.2, residues 1066-1086): ESGPAGPAGA[Pro1076=]GPAGSRGAPG